The following is an entry in ClinVar:

NM_000540.3(RYR1):c.6847A>C (p.Asn2283His)

Gene: RYR1 (ryanodine receptor 1; plus strand). Cytogenetic location: 19q13.2.
Variant type: single nucleotide variant.
Coding change: c.6847A>C on transcript NM_000540.3 (MANE Select); coding-DNA position 6847, A replaced by C.
Protein change: p.Asn2283His; replaces asparagine 2283 with histidine.
Molecular consequence: missense variant.
Genome position (GRCh38, 1-based): chr19:38,496,910, A>C. VCF-style: chr19-38496910-A-C. GRCh37 (hg19) VCF-style: chr19-38987550-A-C.
Other names: c.6847A>C (NM_000540.2); c.6847A>C, p.Asn2283His (NM_001042723.2); short protein forms N2283H.
Identifiers: ClinVar variation 65968 (VCV000065968.8), dbSNP rs118192121, ClinGen allele CA024656.

ClinVar aggregate classification (germline): Uncertain significance. Review status: reviewed by expert panel (3 of 4 stars). 4 submissions from 4 submitters: Uncertain significance (1). 3 of the submissions do not count toward it. Last evaluated 2025-08-01.

Conditions:
Malignant hyperthermia, susceptibility to, 1 (MHS1). Also called: Anesthesia related hyperthermia; Malignant hyperpyrexia; Fulminating hyperpyrexia; Pharmacogenic myopathy; RYR1-Related Malignant Hyperthermia Susceptibility; Malignant hyperthermia suceptibility 1. Identifiers: Orphanet 423, MedGen C2930980, MONDO:0007783, OMIM 145600.
RYR1-related myopathy. Identifiers: Orphanet 98742, MedGen CN305348, MONDO:0100150.
Central core myopathy (CMYO1A). Also called: CONGENITAL MYOPATHY 1A, AUTOSOMAL DOMINANT, WITH SUSCEPTIBILITY TO MALIGNANT HYPERTHERMIA; Central core disease; Myopathy, central fibrillar. Identifiers: Orphanet 597, MedGen C5830701, MONDO:0007294, OMIM 117000.

Submissions (4):

ClinGen Malignant Hyperthermia Susceptibility Variant Curation Expert Panel, ClinGen
Classification: Uncertain significance for Malignant hyperthermia, susceptibility to, 1. Last evaluated: 2025-08-01. Review status: reviewed by expert panel. Criteria: ClinGen MHS ACMG Specifications V2. Collection method: curation. Allele origin: germline. Inheritance: Autosomal dominant inheritance.
Comment: This pathogenicity assessment is relevant only for malignant hyperthermia susceptibility (MHS) inherited in an autosomal dominant pattern. Variants in RYR1 can also cause other myopathies inherited in an autosomal dominant pattern or in an autosomal recessive pattern. Some of these disorders may predispose individuals to malignant hyperthermia. RYR1 variants may also contribute to a malignant hyperthermia reaction in combination with other genetic and non-genetic factors and the clinician needs to consider such factors in making management decisions. This sequence variant predicts a substitution of asparagine with histidine at codon 2283 of the RYR1 protein, p.Asn2283His. This variant was not present in a large population database (gnomAD) at the time this variant was interpreted. This variant has been reported in an individual with a personal or family history of an MH episode and a positive in vitro contracture test (IVCT) or caffeine halothane contracture test (CHCT) result (if the proband was unavailable for testing, a positive diagnostic test result in a mutation-positive relative was counted), PS4_Supporting (PMID:20681998). No functional studies were identified for this variant. This variant resides in a region of RYR1 considered to be a hotspot for pathogenic variants that contribute to MHS, PM1 (PMID: 21118704). A REVEL score >0.85 (0.943) supports a pathogenic status for this variant, PP3_Moderate. This variant has been classified as a Variant of Unknown Significance. Criteria implemented: PS4_Supporting, PM1, PP3_Moderate.

Muscle and Diseases Team, Institut de Génétique et Biologie Moléculaire et Cellulaire
Classification: Likely pathogenic for RYR1-related myopathy. Last evaluated: 2024-03-01. Review status: criteria provided, single submitter. Criteria: ACMG Guidelines, 2015. Collection method: research. Allele origin: unknown. Affected: yes. Observed: 1 variant allele. Not counted in ClinVar's aggregate classification.

GeneReviews
Classification: Pathogenic for Central Core Disease. Last evaluated: 2010-05-11. Review status: no assertion criteria provided. Collection method: curation. Allele origin: unknown. Not counted in ClinVar's aggregate classification.
ClinVar note: Converted during submission from pathologic to Pathogenic.

RYR1 database
No classification provided. Review status: no classification provided. Collection method: not provided. Allele origin: unknown. Not counted in ClinVar's aggregate classification.

Literature cited by the submitters: PubMed 30611313 (cited by Muscle and Diseases Team, Institut de Génétique et Biologie Moléculaire et Cellulaire).